The following is an entry in ClinVar:

ClinVar aggregate classification (germline): Uncertain significance (1 of 4 stars; one submission).

Submission:

Labcorp Genetics (formerly Invitae), Labcorp
Classification: Uncertain significance. Last evaluated: 2022-02-20. Review status: criteria provided, single submitter. Criteria: Invitae Variant Classification Sherloc (09022015). Collection method: clinical testing. Allele origin: germline.
Comment: In summary, the available evidence is currently insufficient to determine the role of this variant in disease. Therefore, it has been classified as a Variant of Uncertain Significance. Experimental studies and prediction algorithms are not available or were not evaluated, and the functional significance of this variant is currently unknown. This variant has not been reported in the literature in individuals affected with COQ9-related conditions. Information on the frequency of this variant in the gnomAD database is not available, as this variant may be reported differently in the database. This variant, c.780_781delinsTT, is a complex sequence change that results in the deletion of 2 and insertion of 2 amino acid(s) in the COQ9 protein (p.Gln260_Asp261delinsHisTyr).

NM_020312.4(COQ9):c.780_781delinsTT (p.Gln260_Asp261delinsHisTyr)

Gene: COQ9 (coenzyme Q9; plus strand). Cytogenetic location: 16q21.
Variant type: Indel.
Coding change: c.780_781delinsTT on transcript NM_020312.4 (MANE Select); coding-DNA positions 780 to 781, GG replaced by TT.
Protein change: p.Gln260_Asp261delinsHisTyr.
Molecular consequence: missense variant.
Genome position (GRCh38, 1-based): chr16:57,459,633-57,459,634, GG replaced by TT. VCF-style: chr16-57459633-GG-TT. GRCh37 (hg19) VCF-style: chr16-57493545-GG-TT.
Identifiers: ClinVar variation 2099960 (VCV002099960.4), dbSNP rs2543575113, ClinGen allele CA2580091705.
Genomic context (GRCh38, chr16:57,459,633, plus strand): 5'-GTACACCCGCCGAGCCATGCTGGCTGCCATCTACAACACAACAGAGCTGGTGATGATGCA[GG>TT]ACTCCTCTCCAGACTTTGAGGACACTTGGCGCTTCCTGGAAAACCGGGTTAATGATGCAA-3'